The following is an entry in ClinVar:

NM_002303.6(LEPR):c.2521G>A (p.Gly841Ser)

Gene: LEPR (leptin receptor; plus strand). Cytogenetic location: 1p31.3.
Variant type: single nucleotide variant.
Coding change: c.2521G>A on transcript NM_002303.6 (MANE Select); coding-DNA position 2521, G replaced by A.
Protein change: p.Gly841Ser; replaces glycine 841 with serine.
Molecular consequence: missense variant.
Genome position (GRCh38, 1-based): chr1:65,621,382, G>A. VCF-style: chr1-65621382-G-A. GRCh37 (hg19) VCF-style: chr1-66087065-G-A.
Other names: c.2521G>A, p.Gly841Ser (NM_001003679.3, NM_001003680.3, NM_001198687.2 and 2 more transcripts); short protein forms G841S.
Identifiers: ClinVar variation 4999098 (VCV004999098.1).

ClinVar aggregate classification (germline): Uncertain significance (1 of 4 stars; one submission).

Conditions:
LEPR-related disorder. Also called: LEPR-related disorders; LEPR-related condition.

gnomAD v4.1: 2 of 1,613,304 alleles (0.00012%); highest among the groups gnomAD compares: Admixed American, 0.0033%; no homozygotes.

Submission:

PreventionGenetics, part of Exact Sciences
Classification: Uncertain significance for LEPR-related condition. Last evaluated: 2026-02-24. Review status: criteria provided, single submitter. Criteria: ACMG Guidelines, 2015. Collection method: clinical testing. Allele origin: germline.
Comment: The LEPR c.2521G>A variant is predicted to result in the amino acid substitution p.Gly841Ser. To our knowledge, this variant has not been reported in the literature. This variant is reported in 0.0029% of alleles in individuals of Latino descent in gnomAD. At this time, the clinical significance of this variant is uncertain due to the absence of conclusive functional and genetic evidence.